The following is an entry in ClinVar:

NM_147127.5(EVC2):c.1470+100G>A

Genes: EVC2 (EvC ciliary complex subunit 2; minus strand), LOC126806961 (BRD4-independent group 4 enhancer GRCh37_chr4:5641443-5642642; plus strand). Cytogenetic location: 4p16.2.
Variant type: single nucleotide variant.
Coding change: c.1470+100G>A on transcript NM_147127.5 (MANE Select); 100 bases into the intron after coding-DNA position 1470, G replaced by A.
Molecular consequence: intron variant.
Genome position (GRCh38, 1-based): chr4:5,640,414, C>T on the plus strand (G>A on the coding strand, the complement: EVC2 is on the minus strand). VCF-style: chr4-5640414-C-T. GRCh37 (hg19) VCF-style: chr4-5642141-C-T.
Other names: c.1230+100G>A (NM_001166136.2).
Identifiers: ClinVar variation 674988 (VCV000674988.1), dbSNP rs751842, ClinGen allele CA15313254.

ClinVar aggregate classification (germline): Benign (1 of 4 stars; one submission).

Allele frequency attached by ClinVar (database versions not stated): 1000 Genomes Project 0.40076; gnomAD exomes 0.40345; 1000 Genomes Project 30x 0.40584; gnomAD 0.41368; TOPMed 0.43259.
gnomAD v4.1: 561,437 of 1,384,202 alleles (41%); highest among the groups gnomAD compares: Middle Eastern, 48%; 115,075 homozygotes.

Submission:

GeneDx
Classification: Benign. Last evaluated: 2018-06-14. Review status: criteria provided, single submitter. Criteria: GeneDx Variant Classification (06012015). Collection method: clinical testing. Allele origin: germline. Affected: yes.
Comment: This variant is considered likely benign or benign based on one or more of the following criteria: it is a conservative change, it occurs at a poorly conserved position in the protein, it is predicted to be benign by multiple in silico algorithms, and/or has population frequency not consistent with disease.